The following is an entry in ClinVar:

ClinVar aggregate classification (germline): Conflicting classifications of pathogenicity. Review status: criteria provided, conflicting classifications (1 of 4 stars). 6 submissions from 5 submitters: Uncertain significance (2); Likely benign (3). 1 of the submissions does not count toward it. Last evaluated 2025-12-09.

Conditions:
Inborn genetic diseases. Identifiers: MedGen C0950123, MeSH D030342.
Orofacial cleft 11 (OFC11). Also called: Orofacial cleft 11; ofc11; CLEFT LIP WITH OR WITHOUT CLEFT PALATE, NONSYNDROMIC, 11. Identifiers: MedGen C2677434, MONDO:0010906, OMIM 600625.
Microphthalmia with brain and digit anomalies (MCOPS6). Also called: Microphthalmia, syndromic 6; MICROPHTHALMIA AND PITUITARY ANOMALIES. Identifiers: Orphanet 139471, MedGen C1864689, MONDO:0011936, OMIM 607932.
BMP4-related disorder. Also called: BMP4-related condition.

Allele frequency attached by ClinVar (database versions not stated): gnomAD 0.00002 and 0.00004; gnomAD exomes 0.00002 and 0.00008; TOPMed 0.00005; ExAC 0.00006; ESP Exome Variant Server 0.00008.
gnomAD v4.1: 44 of 1,604,234 alleles (0.0027%); highest among the groups gnomAD compares: East Asian, 0.02%; no homozygotes.

Submissions (6):

Women's Health and Genetics/Laboratory Corporation of America, LabCorp
Classification: Uncertain significance. Last evaluated: 2025-12-09. Review status: criteria provided, single submitter. Criteria: LabCorp Variant Classification Summary - May 2015. Collection method: clinical testing. Allele origin: germline.
Comment: Variant summary: BMP4 c.305C>T (p.Thr102Ile) results in a non-conservative amino acid change in the encoded protein sequence. Algorithms developed to predict the effect of missense changes on protein structure and function are either unavailable or do not agree on the potential impact of this missense change. The variant allele was found at a frequency of 8.2e-05 in 242736 control chromosomes. This frequency is not significantly higher than estimated for disease-causing variants in BMP4, allowing no conclusion about variant significance. To our knowledge, no occurrence of c.305C>T in individuals affected with BMP4-related conditions and no experimental evidence demonstrating its impact on protein function have been reported. ClinVar contains an entry for this variant (Variation ID: 883532). Based on the evidence outlined above, the variant was classified as uncertain significance.

Ambry Genetics
Classification: Likely benign for Inborn genetic diseases. Last evaluated: 2024-10-25. Review status: criteria provided, single submitter. Criteria: Ambry Variant Classification Scheme 2023. Collection method: clinical testing. Allele origin: germline.

Labcorp Genetics (formerly Invitae), Labcorp
Classification: Likely benign for Microphthalmia with brain and digit anomalies; Orofacial cleft 11. Last evaluated: 2022-07-31. Review status: criteria provided, single submitter. Criteria: Invitae Variant Classification Sherloc (09022015). Collection method: clinical testing. Allele origin: germline.

Illumina Laboratory Services, Illumina
Classification: Uncertain significance for Orofacial cleft 11. Last evaluated: 2018-01-12. Review status: criteria provided, single submitter. Criteria: ICSL Variant Classification Criteria 13 December 2019. Collection method: clinical testing. Allele origin: germline.

Illumina Laboratory Services, Illumina
Classification: Likely benign for Microphthalmia with brain and digit anomalies. Last evaluated: 2018-01-12. Review status: criteria provided, single submitter. Criteria: ICSL Variant Classification Criteria 13 December 2019. Collection method: clinical testing. Allele origin: germline.
Comment: This variant was observed in the ICSL laboratory as part of a predisposition screen in an ostensibly healthy population. It had not been previously curated by ICSL or reported in the Human Gene Mutation Database (HGMD: prior to June 1st, 2018), and was therefore a candidate for classification through an automated scoring system. Utilizing variant allele frequency, disease prevalence and penetrance estimates, and inheritance mode, an automated score was calculated to assess if this variant is too frequent to cause the disease. Based on the score and internal cut-off values, a variant classified as likely benign is not then subjected to further curation. The score for this variant resulted in a classification of likely benign for this disease.

PreventionGenetics, part of Exact Sciences
Classification: Uncertain significance for BMP4-related condition. Last evaluated: 2024-03-21. Review status: no assertion criteria provided. Collection method: clinical testing. Allele origin: germline. Not counted in ClinVar's aggregate classification.
Comment: The BMP4 c.305C>T variant is predicted to result in the amino acid substitution p.Thr102Ile. To our knowledge, this variant has not been reported in the literature. This variant is reported in 0.087% of alleles in individuals of Ashkenazi Jewish descent in gnomAD. At this time, the clinical significance of this variant is uncertain due to the absence of conclusive functional and genetic evidence.

NM_001202.6(BMP4):c.305C>T (p.Thr102Ile)

Gene: BMP4 (bone morphogenetic protein 4; minus strand). Cytogenetic location: 14q22.2.
Variant type: single nucleotide variant.
Coding change: c.305C>T on transcript NM_001202.6 (MANE Select); coding-DNA position 305, C replaced by T.
Protein change: p.Thr102Ile; replaces threonine 102 with isoleucine.
Molecular consequence: missense variant.
Genome position (GRCh38, 1-based): chr14:53,951,918, G>A on the plus strand (C>T on the coding strand, the complement: BMP4 is on the minus strand). VCF-style: chr14-53951918-G-A. GRCh37 (hg19) VCF-style: chr14-54418636-G-A.
Other names: c.446C>T, p.Thr149Ile (NM_001347912.1); c.116C>T, p.Thr39Ile (NM_001347913.2, NM_001347915.2, NM_001347917.1); c.305C>T, p.Thr102Ile (NM_001347914.2, NM_001347916.1, NM_130850.5 and 1 more transcripts); c.305C>T (NM_001202.5); short protein forms T102I, T39I, T149I.
Identifiers: ClinVar variation 883532 (VCV000883532.11), dbSNP rs371239780, ClinGen allele CA7191797.